The following is an entry in ClinVar:

NM_001384140.1(PCDH15):c.2810C>T (p.Pro937Leu)

Gene: PCDH15 (protocadherin related 15; minus strand). Cytogenetic location: 10q21.1.
Variant type: single nucleotide variant.
Coding change: c.2810C>T on transcript NM_001384140.1 (MANE Select); coding-DNA position 2810, C replaced by T.
Protein change: p.Pro937Leu; replaces proline 937 with leucine.
Molecular consequence: missense variant.
Genome position (GRCh38, 1-based): chr10:53,995,707, G>A on the plus strand (C>T on the coding strand, the complement: PCDH15 is on the minus strand). VCF-style: chr10-53995707-G-A. GRCh37 (hg19) VCF-style: chr10-55755467-G-A.
Other names: c.2825C>T, p.Pro942Leu (NM_001142763.2, NM_001142771.2); c.2810C>T, p.Pro937Leu (NM_001142764.2, NM_001142766.2, NM_001142770.3 and 5 more transcripts); c.2597C>T, p.Pro866Leu (NM_001142765.2); c.2699C>T, p.Pro900Leu (NM_001142767.2); c.2744C>T, p.Pro915Leu (NM_001142768.2, NM_001142773.2, NM_001354404.2); c.2846C>T, p.Pro949Leu (NM_001142769.4); c.2831C>T, p.Pro944Leu (NM_001354411.2); short protein forms P866L, P900L, P915L, P937L, P942L, P944L, P949L.
Identifiers: ClinVar variation 1002114 (VCV001002114.4), dbSNP rs771024131, ClinGen allele CA5505920.
Genomic context (GRCh38, chr10:53,995,707, plus strand): 5'-ACAGGAGGGTCTGCATCTTCAGCATAAACTGTTGTGATAGGTGTACCCTTGACTGCATCC[G>A]GAGCCACCATCCCTTTGTATATTCGTTTACTAAAGACAGGAGGATAATCATTCATATCCT-3'
Protein context (NP_001371069.1, residues 927-947): SKRIYKGMVA[Pro937Leu]DAVKGTPITT

ClinVar aggregate classification (germline): Uncertain significance. Review status: criteria provided, multiple submitters, no conflicts (2 of 4 stars). 3 submissions from 3 submitters: Uncertain significance (2). 1 of the submissions does not count toward it. Last evaluated 2023-05-02.

Conditions:
Usher syndrome type 1F (USH1F). Also called: USHER SYNDROME, TYPE IF. Identifiers: Orphanet 231169, Orphanet 886, MedGen C1865885, MONDO:0011186, OMIM 602083.

Allele frequency attached by ClinVar (database versions not stated): gnomAD 0.00001; TOPMed 0.00001; gnomAD exomes 0.00002 and 0.00005; ExAC 0.00003.
gnomAD v4.1: 74 of 1,613,662 alleles (0.0046%); highest among the groups gnomAD compares: Non-Finnish European, 0.006%; no homozygotes.

Submissions (3):

Blueprint Genetics
Classification: Uncertain significance. Last evaluated: 2023-05-02. Review status: criteria provided, single submitter. Criteria: ACMG Guidelines, 2015. Collection method: clinical testing. Allele origin: germline.

Labcorp Genetics (formerly Invitae), Labcorp
Classification: Uncertain significance. Last evaluated: 2022-09-01. Review status: criteria provided, single submitter. Criteria: Invitae Variant Classification Sherloc (09022015). Collection method: clinical testing. Allele origin: germline.
Comment: This sequence change replaces proline, which is neutral and non-polar, with leucine, which is neutral and non-polar, at codon 937 of the PCDH15 protein (p.Pro937Leu). This variant is present in population databases (rs771024131, gnomAD 0.004%). This variant has not been reported in the literature in individuals affected with PCDH15-related conditions. ClinVar contains an entry for this variant (Variation ID: 1002114). Algorithms developed to predict the effect of missense changes on protein structure and function are either unavailable or do not agree on the potential impact of this missense change (SIFT: "Deleterious"; PolyPhen-2: "Probably Damaging"; Align-GVGD: "Class C0"). In summary, the available evidence is currently insufficient to determine the role of this variant in disease. Therefore, it has been classified as a Variant of Uncertain Significance.

Natera, Inc.
Classification: Uncertain significance for Usher syndrome type 1F. Last evaluated: 2020-07-31. Review status: no assertion criteria provided. Collection method: clinical testing. Allele origin: germline. Not counted in ClinVar's aggregate classification.